The following is an entry in ClinVar:

ClinVar aggregate classification (germline): Likely benign (1 of 4 stars; one submission).

Allele frequency attached by ClinVar (database versions not stated): gnomAD 0.00511 and 0.00544; 1000 Genomes Project 0.00579; TOPMed 0.00580; 1000 Genomes Project 30x 0.00640.
gnomAD v4.1: 767 of 152,252 alleles (0.5%); highest among the groups gnomAD compares: African/African-American, 1.7%; 8 homozygotes.

Submission:

GeneDx
Classification: Likely benign. Last evaluated: 2018-06-14. Review status: criteria provided, single submitter. Criteria: GeneDx Variant Classification (06012015). Collection method: clinical testing. Allele origin: germline. Affected: yes.
Comment: This variant is considered likely benign or benign based on one or more of the following criteria: it is a conservative change, it occurs at a poorly conserved position in the protein, it is predicted to be benign by multiple in silico algorithms, and/or has population frequency not consistent with disease.

NM_001375808.2(LPIN2):c.1939-159T>C

Gene: LPIN2 (lipin 2; minus strand). Cytogenetic location: 18p11.31.
Variant type: single nucleotide variant.
Coding change: c.1939-159T>C on transcript NM_001375808.2 (MANE Select); 159 bases into the intron before coding-DNA position 1939, T replaced by C.
Molecular consequence: intron variant.
Genome position (GRCh38, 1-based): chr18:2,924,705, A>G on the plus strand (T>C on the coding strand, the complement: LPIN2 is on the minus strand). VCF-style: chr18-2924705-A-G. GRCh37 (hg19) VCF-style: chr18-2924703-A-G.
Other names: c.1939-159T>C (NM_014646.2, NM_001375809.1).
Identifiers: ClinVar variation 679037 (VCV000679037.1), dbSNP rs149482453, ClinGen allele CA295495256.